The following is an entry in ClinVar:

ClinVar aggregate classification (germline): Uncertain significance. Review status: criteria provided, multiple submitters, no conflicts (2 of 4 stars). 2 submissions from 2 submitters: Uncertain significance (2). Last evaluated 2024-09-30.

Conditions:
Hereditary cancer-predisposing syndrome. Also called: Tumor predisposition; Hereditary neoplastic syndrome; Neoplastic Syndromes, Hereditary; Hereditary Cancer Syndrome. Identifiers: Orphanet 140162, MedGen C0027672, MeSH D009386, MONDO:0015356.
Gastrointestinal stromal tumor. Also called: Gastrointestinal stroma tumor; Gastrointestinal stromal tumor, somatic. Identifiers: Orphanet 44890, MedGen C0238198, MeSH D046152, MONDO:0011719, OMIM 606764, HP:0100723.

Allele frequency attached by ClinVar (database versions not stated): gnomAD exomes below 0.00001.

Submissions (2):

Ambry Genetics
Classification: Uncertain significance for Hereditary cancer-predisposing syndrome. Last evaluated: 2024-09-30. Review status: criteria provided, single submitter. Criteria: Ambry Variant Classification Scheme 2023. Collection method: clinical testing. Allele origin: germline.
Comment: The p.N204D variant (also known as c.610A>G), located in coding exon 3 of the PDGFRA gene, results from an A to G substitution at nucleotide position 610. The asparagine at codon 204 is replaced by aspartic acid, an amino acid with highly similar properties. This amino acid position is conserved. In addition, this alteration is predicted to be tolerated by in silico analysis. Based on the available evidence, the clinical significance of this variant remains unclear.

Labcorp Genetics (formerly Invitae), Labcorp
Classification: Uncertain significance for Gastrointestinal stromal tumor. Last evaluated: 2024-05-06. Review status: criteria provided, single submitter. Criteria: Invitae Variant Classification Sherloc (09022015). Collection method: clinical testing. Allele origin: germline.
Comment: This sequence change replaces asparagine, which is neutral and polar, with aspartic acid, which is acidic and polar, at codon 204 of the PDGFRA protein (p.Asn204Asp). This variant is not present in population databases (gnomAD no frequency). This variant has not been reported in the literature in individuals affected with PDGFRA-related conditions. ClinVar contains an entry for this variant (Variation ID: 459111). Advanced modeling of protein sequence and biophysical properties (such as structural, functional, and spatial information, amino acid conservation, physicochemical variation, residue mobility, and thermodynamic stability) performed at Invitae indicates that this missense variant is not expected to disrupt PDGFRA protein function with a negative predictive value of 80%. In summary, the available evidence is currently insufficient to determine the role of this variant in disease. Therefore, it has been classified as a Variant of Uncertain Significance.

NM_006206.6(PDGFRA):c.610A>G (p.Asn204Asp)

Gene: PDGFRA (platelet derived growth factor receptor alpha; plus strand). Cytogenetic location: 4q12.
Variant type: single nucleotide variant.
Coding change: c.610A>G on transcript NM_006206.6 (MANE Select); coding-DNA position 610, A replaced by G.
Protein change: p.Asn204Asp; replaces asparagine 204 with aspartic acid.
Molecular consequence: missense variant.
Genome position (GRCh38, 1-based): chr4:54,263,909, A>G. VCF-style: chr4-54263909-A-G. GRCh37 (hg19) VCF-style: chr4-55130076-A-G.
Other names: c.610A>G, p.Asn204Asp (NM_001347827.2, NM_001347829.2); c.685A>G, p.Asn229Asp (NM_001347828.2); c.649A>G, p.Asn217Asp (NM_001347830.2); short protein forms N204D, N229D, N217D.
Identifiers: ClinVar variation 459111 (VCV000459111.10), dbSNP rs1553902754, ClinGen allele CA356890194.